The following is an entry in ClinVar:

NM_000094.4(COL7A1):c.5350G>C (p.Asp1784His)

Gene: COL7A1 (collagen type VII alpha 1 chain; minus strand). Cytogenetic location: 3p21.31.
Variant type: single nucleotide variant.
Coding change: c.5350G>C on transcript NM_000094.4 (MANE Select); coding-DNA position 5350, G replaced by C.
Protein change: p.Asp1784His; replaces aspartic acid 1784 with histidine.
Molecular consequence: missense variant.
Genome position (GRCh38, 1-based): chr3:48,579,235, C>G on the plus strand (G>C on the coding strand, the complement: COL7A1 is on the minus strand). VCF-style: chr3-48579235-C-G. GRCh37 (hg19) VCF-style: chr3-48616668-C-G.
Other names: short protein forms D1784H.
Identifiers: ClinVar variation 903261 (VCV000903261.8), dbSNP rs200632851, ClinGen allele CA2379548.
Genomic context (GRCh38, chr3:48,579,235, plus strand): 5'-AGGCAGGACTACCAAGACTCACATTCGGCCCAGAGGGCCCAGCGGCTCCTGGTTTCCCAT[C>G]CAGTCCGCTCCGGCCATCCAGCCCAGGGGGACCCCGGTCACCCTGTGGAAAATAGAGTGG-3'
Protein context (NP_000085.1, residues 1774-1794): PPGLDGRSGL[Asp1784His]GKPGAAGPSG

ClinVar aggregate classification (germline): Uncertain significance. Review status: criteria provided, multiple submitters, no conflicts (2 of 4 stars). 5 submissions from 5 submitters: Uncertain significance (4). 1 of the submissions does not count toward it. Last evaluated 2026-06-05.

Conditions:
Epidermolysis bullosa dystrophica. Also called: Dystrophic epidermolysis bullosa, Hallopeau-Siemens type (formerly); Dystrophic epidermolysis bullosa. Identifiers: Orphanet 303, MedGen C0079294, MONDO:0006543.
Inborn genetic diseases. Identifiers: MedGen C0950123, MeSH D030342.
Epidermolysis bullosa dystrophica inversa, autosomal recessive. Identifiers: MedGen C2673612.

Allele frequency attached by ClinVar (database versions not stated): ExAC 0.00001; gnomAD exomes 0.00001 and 0.00002; gnomAD 0.00002 and 0.00003; TOPMed 0.00005.
gnomAD v4.1: 26 of 1,613,740 alleles (0.0016%); highest among the groups gnomAD compares: Non-Finnish European, 0.00076%; no homozygotes.

Submissions (5):

Women's Health and Genetics/Laboratory Corporation of America, LabCorp
Classification: Uncertain significance. Last evaluated: 2026-06-05. Review status: criteria provided, single submitter. Criteria: LabCorp Variant Classification Summary - May 2015. Collection method: clinical testing. Allele origin: germline.

Ambry Genetics
Classification: Uncertain significance for Inborn genetic diseases. Last evaluated: 2025-10-02. Review status: criteria provided, single submitter. Criteria: Ambry Variant Classification Scheme 2023. Collection method: clinical testing. Allele origin: germline.

Labcorp Genetics (formerly Invitae), Labcorp
Classification: Uncertain significance. Last evaluated: 2022-10-31. Review status: criteria provided, single submitter. Criteria: Invitae Variant Classification Sherloc (09022015). Collection method: clinical testing. Allele origin: germline.
Comment: This sequence change replaces aspartic acid, which is acidic and polar, with histidine, which is basic and polar, at codon 1784 of the COL7A1 protein (p.Asp1784His). This variant is present in population databases (rs200632851, gnomAD 0.03%). This variant has not been reported in the literature in individuals affected with COL7A1-related conditions. ClinVar contains an entry for this variant (Variation ID: 903261). Advanced modeling of protein sequence and biophysical properties (such as structural, functional, and spatial information, amino acid conservation, physicochemical variation, residue mobility, and thermodynamic stability) has been performed at Invitae for this missense variant, however the output from this modeling did not meet the statistical confidence thresholds required to predict the impact of this variant on COL7A1 protein function. In summary, the available evidence is currently insufficient to determine the role of this variant in disease. Therefore, it has been classified as a Variant of Uncertain Significance.

Illumina Laboratory Services, Illumina
Classification: Uncertain significance for Dystrophic epidermolysis bullosa. Last evaluated: 2018-01-13. Review status: criteria provided, single submitter. Criteria: ICSL Variant Classification Criteria 13 December 2019. Collection method: clinical testing. Allele origin: germline.

Natera, Inc.
Classification: Uncertain significance for Autosomal recessive epidermolysis bullosa dystrophica inversa. Last evaluated: 2020-09-11. Review status: no assertion criteria provided. Collection method: clinical testing. Allele origin: germline. Not counted in ClinVar's aggregate classification.